The following is an entry in ClinVar:

ClinVar aggregate classification (germline): Benign/Likely benign. Review status: criteria provided, multiple submitters, no conflicts (2 of 4 stars). 2 submissions from 2 submitters: Benign (1); Likely benign (1). Last evaluated 2024-07-19.

Conditions:
Familial cancer of breast. Also called: hereditary breast carcinoma; BREAST CANCER, FAMILIAL; Hereditary breast cancer. Identifiers: Orphanet 227535, MedGen C0346153, MONDO:0016419, OMIM 114480. Disease mechanism: loss of function.

Submissions (2):

Myriad Genetics, Inc.
Classification: Benign for Familial cancer of breast. Last evaluated: 2024-07-19. Review status: criteria provided, single submitter. Criteria: Myriad Autosomal Dominant, Autosomal Recessive and X-Linked Classification Criteria (2023). Collection method: clinical testing. Allele origin: unknown.
Comment: This variant is considered benign. This variant is a silent/synonymous amino acid change and it is not expected to impact splicing.

Labcorp Genetics (formerly Invitae), Labcorp
Classification: Likely benign for Familial cancer of breast. Last evaluated: 2020-10-06. Review status: criteria provided, single submitter. Criteria: Invitae Variant Classification Sherloc (09022015). Collection method: clinical testing. Allele origin: germline.

NM_000465.4(BARD1):c.423T>C (p.Asn141=)

Gene: BARD1 (BRCA1 associated RING domain 1; minus strand). Cytogenetic location: 2q35.
Variant type: single nucleotide variant.
Coding change: c.423T>C on transcript NM_000465.4 (MANE Select); coding-DNA position 423, T replaced by C.
Protein change: p.Asn141=; no amino-acid change (asparagine 141 retained).
Molecular consequence: synonymous variant. On other transcripts: non-coding transcript variant (2), intron variant (3).
Genome position (GRCh38, 1-based): chr2:214,781,451, A>G on the plus strand (T>C on the coding strand, the complement: BARD1 is on the minus strand). VCF-style: chr2-214781451-A-G. GRCh37 (hg19) VCF-style: chr2-215646175-A-G.
Other names: c.366T>C, p.Asn122= (NM_001282543.2); c.158+27961T>C (NM_001282548.2); c.215+15610T>C (NM_001282545.2); c.364+10846T>C (NM_001282549.2).
Identifiers: ClinVar variation 1083349 (VCV001083349.11), dbSNP rs2106112492, ClinGen allele CA431136433.